The following is an entry in ClinVar:

NM_003235.5(TG):c.4093A>T (p.Asn1365Tyr)

Gene: TG (thyroglobulin; plus strand). Cytogenetic location: 8q24.22.
Variant type: single nucleotide variant.
Coding change: c.4093A>T on transcript NM_003235.5 (MANE Select); coding-DNA position 4093, A replaced by T.
Protein change: p.Asn1365Tyr; replaces asparagine 1365 with tyrosine.
Molecular consequence: missense variant.
Genome position (GRCh38, 1-based): chr8:132,911,467, A>T. VCF-style: chr8-132911467-A-T. GRCh37 (hg19) VCF-style: chr8-133923712-A-T.
Other names: short protein forms N1365Y.
Identifiers: ClinVar variation 908149 (VCV000908149.6), dbSNP rs142264604, ClinGen allele CA4884013.

ClinVar aggregate classification (germline): Uncertain significance. Review status: criteria provided, multiple submitters, no conflicts (2 of 4 stars). 2 submissions from 2 submitters: Uncertain significance (2). Last evaluated 2023-04-13.

Conditions:
Iodotyrosyl coupling defect (TDH3). Also called: HYPOTHYROIDISM, CONGENITAL, DUE TO DYSHORMONOGENESIS, 3; THYROID HORMONOGENESIS, GENETIC DEFECT IN, 3. Identifiers: Orphanet 95716, MedGen C0342194, MONDO:0010135, OMIM 274700.

Allele frequency attached by ClinVar (database versions not stated): gnomAD exomes 0.00004 and 0.00009; ExAC 0.00007; gnomAD 0.00007; TOPMed 0.00009; ESP Exome Variant Server 0.00015.
gnomAD v4.1: 69 of 1,614,058 alleles (0.0043%); highest among the groups gnomAD compares: Middle Eastern, 0.049%; no homozygotes.

Submissions (2):

GeneDx
Classification: Uncertain significance. Last evaluated: 2023-04-13. Review status: criteria provided, single submitter. Criteria: GeneDx Variant Classification Process June 2021. Collection method: clinical testing. Allele origin: germline. Affected: yes.
Comment: Reported as a single heterozygous variant of uncertain significance in an individual with congenital isolated hyperthyrotropenemia (Zdraveska et al., 2020); In silico analysis supports that this missense variant has a deleterious effect on protein structure/function; This variant is associated with the following publications: (PMID: 32765423)

Illumina Laboratory Services, Illumina
Classification: Uncertain significance for Iodotyrosyl coupling defect. Last evaluated: 2018-01-12. Review status: criteria provided, single submitter. Criteria: ICSL Variant Classification Criteria 13 December 2019. Collection method: clinical testing. Allele origin: germline.